The following is an entry in ClinVar:

ClinVar aggregate classification (germline): Uncertain significance. Review status: criteria provided, multiple submitters, no conflicts (2 of 4 stars). 4 submissions from 4 submitters: Uncertain significance (4). Last evaluated 2026-07-28.

Conditions:
Bardet-Biedl syndrome (BBS). Identifiers: Orphanet 110, MedGen C0752166, MONDO:0015229.
WDPCP-related disorder. Also called: WDPCP-related condition.
Bardet-Biedl syndrome 15 (BBS15). Identifiers: Orphanet 110, MedGen C3150127, MONDO:0014443, OMIM 615992.
Heart defect - tongue hamartoma - polysyndactyly syndrome. Also called: Congenital heart defects, hamartomas of tongue, and polysyndactyly. Identifiers: Orphanet 1338, MedGen C1857587, MONDO:0009008, OMIM 217085.
Inborn genetic diseases. Identifiers: MedGen C0950123, MeSH D030342.

Allele frequency attached by ClinVar (database versions not stated): ExAC 0.00001; gnomAD exomes 0.00002 and 0.00003; TOPMed 0.00004; gnomAD 0.00006; ESP Exome Variant Server 0.00008.
gnomAD v4.1: 60 of 1,613,838 alleles (0.0037%); highest among the groups gnomAD compares: African/African-American, 0.0067%; no homozygotes.

Submissions (4):

PreventionGenetics, part of Exact Sciences
Classification: Uncertain significance for WDPCP-related condition. Last evaluated: 2026-07-28. Review status: criteria provided, single submitter. Criteria: ACMG Guidelines, 2015. Collection method: clinical testing. Allele origin: germline.
Comment: The WDPCP c.739G>A variant is predicted to result in the amino acid substitution p.Asp247Asn. To our knowledge, this variant has not been reported in the literature. This variant is reported in 0.0041% of alleles in individuals of African descent in gnomAD. At this time, the clinical significance of this variant is uncertain due to the absence of conclusive functional and genetic evidence.

Ambry Genetics
Classification: Uncertain significance for Inborn genetic diseases. Last evaluated: 2025-11-21. Review status: criteria provided, single submitter. Criteria: Ambry Variant Classification Scheme 2023. Collection method: clinical testing. Allele origin: germline.

Fulgent Genetics
Classification: Uncertain significance for Heart defect - tongue hamartoma - polysyndactyly syndrome; Bardet-Biedl syndrome 15. Last evaluated: 2024-04-12. Review status: criteria provided, single submitter. Criteria: ACMG Guidelines, 2015. Collection method: clinical testing. Allele origin: germline.

Labcorp Genetics (formerly Invitae), Labcorp
Classification: Uncertain significance for Bardet-Biedl syndrome. Last evaluated: 2022-07-25. Review status: criteria provided, single submitter. Criteria: Invitae Variant Classification Sherloc (09022015). Collection method: clinical testing. Allele origin: germline.
Comment: This sequence change replaces aspartic acid, which is acidic and polar, with asparagine, which is neutral and polar, at codon 247 of the WDPCP protein (p.Asp247Asn). This variant is present in population databases (rs376249713, gnomAD 0.007%). This variant has not been reported in the literature in individuals affected with WDPCP-related conditions. ClinVar contains an entry for this variant (Variation ID: 1022503). Algorithms developed to predict the effect of missense changes on protein structure and function (SIFT, PolyPhen-2, Align-GVGD) all suggest that this variant is likely to be tolerated. In summary, the available evidence is currently insufficient to determine the role of this variant in disease. Therefore, it has been classified as a Variant of Uncertain Significance.

NM_015910.7(WDPCP):c.739G>A (p.Asp247Asn)

Gene: WDPCP (WD repeat containing planar cell polarity effector; minus strand). Cytogenetic location: 2p15.
Variant type: single nucleotide variant.
Coding change: c.739G>A on transcript NM_015910.7 (MANE Select); coding-DNA position 739, G replaced by A.
Protein change: p.Asp247Asn; replaces aspartic acid 247 with asparagine.
Molecular consequence: missense variant. On other transcripts: non-coding transcript variant (3).
Genome position (GRCh38, 1-based): chr2:63,433,831, C>T on the plus strand (G>A on the coding strand, the complement: WDPCP is on the minus strand). VCF-style: chr2-63433831-C-T. GRCh37 (hg19) VCF-style: chr2-63660965-C-T.
Other names: c.739G>A (NM_015910.5); c.262G>A, p.Asp88Asn (NM_001042692.3); c.667G>A, p.Asp223Asn (NM_001354044.2); c.739G>A, p.Asp247Asn (NM_001354045.2); short protein forms D223N, D247N, D88N.
Identifiers: ClinVar variation 1022503 (VCV001022503.7), dbSNP rs376249713, ClinGen allele CA1682360.
Genomic context (GRCh38, chr2:63,433,831, plus strand): 5'-GGAGGAGTAGATTGGCTCTGTCCTTCTCAGAAGAAATGGGGGCCCAAGGCCAAGCATCAT[C>T]GTTGACCAGTGGCCACCAGCAAACAACTCTATCATGAACACAGTTGATAGCTAGATGTCG-3'
Protein context (NP_056994.3, residues 237-257): RVVCWWPLVN[Asp247Asn]DAWPWAPISS